The following is an entry in ClinVar:

ClinVar aggregate classification (germline): Uncertain significance. Review status: criteria provided, multiple submitters, no conflicts (2 of 4 stars). 2 submissions from 2 submitters: Uncertain significance (2). Last evaluated 2025-02-13.

Conditions:
Catecholaminergic polymorphic ventricular tachycardia 1. Also called: RYR2-Related Catecholaminergic Polymorphic Ventricular Tachycardia; VENTRICULAR TACHYCARDIA, CATECHOLAMINERGIC POLYMORPHIC, 1, WITH OR WITHOUT ATRIAL DYSFUNCTION AND/OR DILATED CARDIOMYOPATHY; VENTRICULAR TACHYCARDIA, STRESS-INDUCED POLYMORPHIC 1. Identifiers: Orphanet 3286, MedGen C1631597, MONDO:0011484, OMIM 604772.

Submissions (2):

GeneDx
Classification: Uncertain significance. Last evaluated: 2025-02-13. Review status: criteria provided, single submitter. Criteria: GeneDx Variant Classification Process June 2021. Collection method: clinical testing. Allele origin: germline. Affected: yes.
Comment: Has not been previously published as pathogenic or benign to our knowledge; Not observed at significant frequency in large population cohorts (gnomAD); In silico analysis indicates that this missense variant does not alter protein structure/function; This variant is associated with the following publications: (PMID: 19926015)

Labcorp Genetics (formerly Invitae), Labcorp
Classification: Uncertain significance for Catecholaminergic polymorphic ventricular tachycardia 1. Last evaluated: 2021-09-14. Review status: criteria provided, single submitter. Criteria: Invitae Variant Classification Sherloc (09022015). Collection method: clinical testing. Allele origin: germline.
Comment: This sequence change replaces threonine with isoleucine at codon 3275 of the RYR2 protein (p.Thr3275Ile). The threonine residue is highly conserved and there is a moderate physicochemical difference between threonine and isoleucine. This variant is not present in population databases (ExAC no frequency). This variant has not been reported in the literature in individuals affected with RYR2-related conditions. Advanced modeling of protein sequence and biophysical properties (such as structural, functional, and spatial information, amino acid conservation, physicochemical variation, residue mobility, and thermodynamic stability) performed at Invitae indicates that this missense variant is not expected to disrupt RYR2 protein function. In summary, the available evidence is currently insufficient to determine the role of this variant in disease. Therefore, it has been classified as a Variant of Uncertain Significance.

NM_001035.3(RYR2):c.9824C>T (p.Thr3275Ile)

Gene: RYR2 (ryanodine receptor 2; plus strand). Cytogenetic location: 1q43.
Variant type: single nucleotide variant.
Coding change: c.9824C>T on transcript NM_001035.3 (MANE Select); coding-DNA position 9824, C replaced by T.
Protein change: p.Thr3275Ile; replaces threonine 3275 with isoleucine.
Molecular consequence: missense variant.
Genome position (GRCh38, 1-based): chr1:237,707,192, C>T. VCF-style: chr1-237707192-C-T. GRCh37 (hg19) VCF-style: chr1-237870492-C-T.
Other names: short protein forms T3275I.
Identifiers: ClinVar variation 1320807 (VCV001320807.11), dbSNP rs756918556, ClinGen allele CA077010.
Genomic context (GRCh38, chr1:237,707,192, plus strand): 5'-AGAACAATCCAGAACGGGCCGAGATGTGCTGCACAGCCCTGAACTCAGAGCACATGAACA[C>T]ACTTCTAGGGAACATATTGAAAATCATATATAATAACTTGGGGATTGATGAGGGAGCCTG-3'
Protein context (NP_001026.2, residues 3265-3285): CTALNSEHMN[Thr3275Ile]LLGNILKIIY